The following is an entry in ClinVar:

ClinVar aggregate classification (germline): Uncertain significance (1 of 4 stars; one submission).

Conditions:
Brugada syndrome. Also called: Sudden unexpected nocturnal death syndrome; Sudden Unexplained Death Syndrome; Sudden Unexplained Nocturnal Death Syndrome (SUNDS); Sudden unexplained nocturnal death syndrome. Identifiers: Orphanet 130, MedGen C1142166, MONDO:0015263.

Submission:

Labcorp Genetics (formerly Invitae), Labcorp
Classification: Uncertain significance for Brugada syndrome. Last evaluated: 2024-03-18. Review status: criteria provided, single submitter. Criteria: Invitae Variant Classification Sherloc (09022015). Collection method: clinical testing. Allele origin: germline.
Comment: This variant, c.572_574del, results in the deletion of 1 amino acid(s) of the CACNA2D1 protein (p.Glu191del), but otherwise preserves the integrity of the reading frame. This variant is not present in population databases (gnomAD no frequency). This variant has not been reported in the literature in individuals affected with CACNA2D1-related conditions. Experimental studies and prediction algorithms are not available or were not evaluated, and the functional significance of this variant is currently unknown. In summary, the available evidence is currently insufficient to determine the role of this variant in disease. Therefore, it has been classified as a Variant of Uncertain Significance.

NM_000722.4(CACNA2D1):c.572_574del (p.Glu191del)

Gene: CACNA2D1 (calcium voltage-gated channel auxiliary subunit alpha2delta 1; minus strand). Cytogenetic location: 7q21.11.
Variant type: Deletion.
Coding change: c.572_574del on transcript NM_000722.4 (MANE Select); coding-DNA positions 572 to 574, 3 bases deleted (AAG; older notation c.572_574delAAG).
Protein change: p.Glu191del; deletes glutamic acid 191.
Genome position (GRCh38, 1-based): chr7:82,084,853-82,084,855, CTT deleted on the plus strand (AAG on the coding strand, the reverse complement: CACNA2D1 is on the minus strand); deleting any 3 consecutive bases within chr7:82,084,853-82,084,856 gives the same sequence; the c. name uses the placement nearest the transcript's 3' end. VCF-style (leftmost placement, unchanged base first): chr7-82084852-ACTT-A. GRCh37 (hg19) VCF-style: chr7-81714168-ACTT-A.
Other names: c.572_574del, p.Glu191del (NM_001302890.2, NM_001366867.1); short protein forms E191del.
Identifiers: ClinVar variation 3645722 (VCV003645722.2).